The following is an entry in ClinVar:

ClinVar aggregate classification (germline): Likely benign (1 of 4 stars; one submission).

Allele frequency attached by ClinVar (database versions not stated): gnomAD 0.00003; TOPMed 0.00003; gnomAD exomes 0.00007; ExAC 0.00013.
gnomAD v4.1: 103 of 1,610,612 alleles (0.0064%); highest among the groups gnomAD compares: Middle Eastern, 0.066%; no homozygotes.

Submission:

CeGaT Center for Human Genetics Tuebingen
Classification: Likely benign. Last evaluated: 2023-08-01. Review status: criteria provided, single submitter. Criteria: CeGaT Center For Human Genetics Tuebingen Variant Classification Criteria Version 2. Collection method: clinical testing. Allele origin: germline. Affected: yes. Observed: 1 variant allele.
Comment: LINGO1: BP4, BP7

NM_032808.7(LINGO1):c.1443G>A (p.Thr481=)

Gene: LINGO1 (leucine rich repeat and Ig domain containing 1; minus strand). Cytogenetic location: 15q24.3.
Variant type: single nucleotide variant.
Coding change: c.1443G>A on transcript NM_032808.7 (MANE Select); coding-DNA position 1443, G replaced by A.
Protein change: p.Thr481=; no amino-acid change (threonine 481 retained).
Molecular consequence: synonymous variant.
Genome position (GRCh38, 1-based): chr15:77,614,464, C>T on the plus strand (G>A on the coding strand, the complement: LINGO1 is on the minus strand). VCF-style: chr15-77614464-C-T. GRCh37 (hg19) VCF-style: chr15-77906806-C-T.
Other names: c.1425G>A, p.Thr475= (NM_001301186.2, NM_001301187.2, NM_001301189.2 and 8 more transcripts).
Identifiers: ClinVar variation 2645594 (VCV002645594.24), dbSNP rs769417669, ClinGen allele CA7677785.